The following is an entry in ClinVar:

ClinVar aggregate classification (germline): Benign/Likely benign. Review status: criteria provided, multiple submitters, no conflicts (2 of 4 stars). 4 submissions from 4 submitters: Benign (1); Likely benign (3). Last evaluated 2025-10-31.

Conditions:
Hereditary cancer-predisposing syndrome. Also called: Neoplastic Syndromes, Hereditary; Hereditary Cancer Syndrome; Tumor predisposition; Hereditary neoplastic syndrome. Identifiers: Orphanet 140162, MedGen C0027672, MeSH D009386, MONDO:0015356.
Ataxia-telangiectasia syndrome (AT). Also called: LOUIS-BAR SYNDROME; Cerebello-oculocutaneous telangiectasia; Immunodeficiency with ataxia telangiectasia; Ataxia-telangiectasia, complementation group D; AT, COMPLEMENTATION GROUP C; Ataxia-telangiectasia, complementation group E. Identifiers: Orphanet 100, MedGen C0004135, MONDO:0008840, OMIM 208900.
Familial cancer of breast. Also called: Hereditary breast cancer; BREAST CANCER, FAMILIAL; hereditary breast carcinoma. Identifiers: Orphanet 227535, MedGen C0346153, MONDO:0016419, OMIM 114480. Disease mechanism: loss of function.

Allele frequency attached by ClinVar (database versions not stated): gnomAD exomes below 0.00001; TOPMed 0.00002.
gnomAD v4.1: 3 of 1,613,276 alleles (0.00019%); highest among the groups gnomAD compares: African/African-American, 0.004%; no homozygotes.

Submissions (4):

Labcorp Genetics (formerly Invitae), Labcorp
Classification: Likely benign for Ataxia-telangiectasia syndrome. Last evaluated: 2025-10-31. Review status: criteria provided, single submitter. Criteria: Invitae Variant Classification Sherloc (09022015). Collection method: clinical testing. Allele origin: germline.

Myriad Genetics, Inc.
Classification: Benign for Familial cancer of breast. Last evaluated: 2024-05-24. Review status: criteria provided, single submitter. Criteria: Myriad Autosomal Dominant, Autosomal Recessive and X-Linked Classification Criteria (2023). Collection method: clinical testing. Allele origin: unknown.
Comment: This variant is considered benign. This variant is a silent/synonymous amino acid change and it is not expected to impact splicing.

Women's Health and Genetics/Laboratory Corporation of America, LabCorp
Classification: Likely benign. Last evaluated: 2020-01-31. Review status: criteria provided, single submitter. Criteria: LabCorp Variant Classification Summary - May 2015. Collection method: clinical testing. Allele origin: germline.

Ambry Genetics
Classification: Likely benign for Hereditary cancer-predisposing syndrome. Last evaluated: 2019-02-08. Review status: criteria provided, single submitter. Criteria: Ambry Variant Classification Scheme 2023. Collection method: clinical testing. Allele origin: germline.

NM_000051.4(ATM):c.5769T>C (p.Ser1923=)

Genes: ATM (ATM serine/threonine kinase; plus strand), C11orf65 (chromosome 11 open reading frame 65; minus strand). Cytogenetic location: 11q22.3.
Variant type: single nucleotide variant.
Coding change: c.5769T>C on transcript NM_000051.4 (MANE Select); coding-DNA position 5769, T replaced by C.
Protein change: p.Ser1923=; no amino-acid change (serine 1923 retained).
Molecular consequence: synonymous variant. On other transcripts: intron variant (2).
Genome position (GRCh38, 1-based): chr11:108,310,166, T>C. VCF-style: chr11-108310166-T-C. GRCh37 (hg19) VCF-style: chr11-108180893-T-C.
Other names: c.5769T>C, p.Ser1923= (NM_001351834.2); c.641-1095A>G (NM_001330368.2); c.*39-1095A>G (NM_001351110.2).
Identifiers: ClinVar variation 414554 (VCV000414554.18), dbSNP rs1060504280, ClinGen allele CA16613080.